The following is an entry in ClinVar:

ClinVar aggregate classification (germline): Pathogenic (1 of 4 stars; one submission).

Allele frequency attached by ClinVar (database versions not stated): gnomAD exomes below 0.00001.
gnomAD v4.1: 2 of 1,614,052 alleles (0.00012%); no homozygotes.

Submission:

Labcorp Genetics (formerly Invitae), Labcorp
Classification: Pathogenic. Last evaluated: 2024-02-16. Review status: criteria provided, single submitter. Criteria: Invitae Variant Classification Sherloc (09022015). Collection method: clinical testing. Allele origin: germline.
Comment: This sequence change replaces glycine, which is neutral and non-polar, with arginine, which is basic and polar, at codon 381 of the MUT protein (p.Gly381Arg). This variant is not present in population databases (gnomAD no frequency). This missense change has been observed in individual(s) with methylmalonic acidemia and/or methylmalonic aciduria (PMID: 23430940, 34668645). Advanced modeling of protein sequence and biophysical properties (such as structural, functional, and spatial information, amino acid conservation, physicochemical variation, residue mobility, and thermodynamic stability) performed at Invitae indicates that this missense variant is expected to disrupt MUT protein function with a positive predictive value of 95%. For these reasons, this variant has been classified as Pathogenic.

Literature cited by the submitters: PubMed 23430940; PubMed 34668645.

NM_000255.4(MMUT):c.1141G>A (p.Gly381Arg)

Gene: MMUT (methylmalonyl-CoA mutase; minus strand). Cytogenetic location: 6p12.3.
Variant type: single nucleotide variant.
Coding change: c.1141G>A on transcript NM_000255.4 (MANE Select); coding-DNA position 1141, G replaced by A.
Protein change: p.Gly381Arg; replaces glycine 381 with arginine.
Molecular consequence: missense variant.
Genome position (GRCh38, 1-based): chr6:49,451,657, C>T on the plus strand (G>A on the coding strand, the complement: MMUT is on the minus strand). VCF-style: chr6-49451657-C-T. GRCh37 (hg19) VCF-style: chr6-49419370-C-T.
Other names: short protein forms G381R.
Identifiers: ClinVar variation 2734890 (VCV002734890.3), dbSNP rs2481334478, ClinGen allele CA364399035.
Genomic context (GRCh38, chr6:49,451,657, plus strand): 5'-TTTTCACAGTTGGCAAACCCAAAGCTTCATCAAAAGAATTTGTGTGCAAAGACTGAGTCC[C>T]TCCAAATACTGCTGCCATTGCTTCTATTGCAGTACGGACAATATTATTGTAGGGATCCTA-3'
Protein context (NP_000246.2, residues 371-391): AIEAMAAVFG[Gly381Arg]TQSLHTNSFD